The following is an entry in ClinVar:

ClinVar aggregate classification (germline): Benign/Likely benign. Review status: criteria provided, multiple submitters, no conflicts (2 of 4 stars). 8 submissions from 8 submitters: Benign (4); Likely benign (4). Last evaluated 2026-07-01.

Conditions:
Myofibromatosis, infantile, 2. Identifiers: Orphanet 2591, MedGen C3809084, MONDO:0014122, OMIM 615293.
Lateral meningocele syndrome (LMNS). Also called: NOTCH3-Related Lateral Meningocele Syndrome. Identifiers: Orphanet 2789, MedGen C1851710, MONDO:0007537, OMIM 130720.
Cerebral arteriopathy, autosomal dominant, with subcortical infarcts and leukoencephalopathy, type 1 (CADASIL1). Also called: CASIL; Cerebral arteriopathy with subcortical infarcts and leukoencephalopathy 1; CADASIL 1; DEMENTIA, HEREDITARY MULTIINFARCT TYPE. Identifiers: Orphanet 136, MedGen C4551768, MONDO:0000914, OMIM 125310.

Allele frequency attached by ClinVar (database versions not stated): gnomAD exomes 0.00059; gnomAD 0.00200 and 0.00213; ESP Exome Variant Server 0.00216; TOPMed 0.00216; ExAC 0.00224; 1000 Genomes Project 30x 0.00406; 1000 Genomes Project 0.00419.
gnomAD v4.1: 573 of 1,485,080 alleles (0.039%); highest among the groups gnomAD compares: African/African-American, 0.68%; 2 homozygotes.

Submissions (8):

CeGaT Center for Human Genetics Tuebingen
Classification: Benign. Last evaluated: 2026-07-01. Review status: criteria provided, single submitter. Criteria: CeGaT Center For Human Genetics Tuebingen Variant Classification Criteria Version 2. Collection method: clinical testing. Allele origin: germline. Affected: yes. Observed: 1 variant allele.
Comment: NOTCH3: BS1, BS2

Labcorp Genetics (formerly Invitae), Labcorp
Classification: Benign. Last evaluated: 2025-11-29. Review status: criteria provided, single submitter. Criteria: Invitae Variant Classification Sherloc (09022015). Collection method: clinical testing. Allele origin: germline.

ARUP Laboratories, Molecular Genetics and Genomics, ARUP Laboratories
Classification: Likely benign. Last evaluated: 2025-05-21. Review status: criteria provided, single submitter. Criteria: ARUP Molecular Germline Variant Investigation Process 2024. Collection method: clinical testing. Allele origin: germline.

Mayo Clinic Laboratories, Mayo Clinic
Classification: Likely benign. Last evaluated: 2025-02-14. Review status: criteria provided, single submitter. Criteria: ACMG Guidelines, 2015. Collection method: clinical testing. Allele origin: germline. Observed: 8 variant alleles.
Comment: BS1, BP4_moderate

Blueprint Genetics
Classification: Likely benign. Last evaluated: 2024-11-27. Review status: criteria provided, single submitter. Criteria: ACMG Guidelines, 2015. Collection method: clinical testing. Allele origin: germline.

Athena Diagnostics
Classification: Benign. Last evaluated: 2024-11-22. Review status: criteria provided, single submitter. Criteria: Athena Diagnostics Criteria. Collection method: clinical testing. Allele origin: unknown.

Fulgent Genetics
Classification: Likely benign for Cerebral arteriopathy, autosomal dominant, with subcortical infarcts and leukoencephalopathy, type 1; Lateral meningocele syndrome; Myofibromatosis, infantile, 2. Last evaluated: 2021-09-01. Review status: criteria provided, single submitter. Criteria: ACMG Guidelines, 2015. Collection method: clinical testing. Allele origin: unknown.

PreventionGenetics, part of Exact Sciences
Classification: Benign. Review status: criteria provided, single submitter. Criteria: ACMG Guidelines, 2015. Collection method: clinical testing. Allele origin: germline.

Literature cited by the submitters: PubMed 37873835 (cited by Mayo Clinic Laboratories, Mayo Clinic and Athena Diagnostics); PubMed 36973604 (cited by Athena Diagnostics); PubMed 26242991 (cited by Athena Diagnostics).

NM_000435.3(NOTCH3):c.2300G>A (p.Arg767His)

Gene: NOTCH3 (notch receptor 3; minus strand). Cytogenetic location: 19p13.12.
Variant type: single nucleotide variant.
Coding change: c.2300G>A on transcript NM_000435.3 (MANE Select); coding-DNA position 2300, G replaced by A.
Protein change: p.Arg767His; replaces arginine 767 with histidine.
Molecular consequence: missense variant.
Genome position (GRCh38, 1-based): chr19:15,185,016, C>T on the plus strand (G>A on the coding strand, the complement: NOTCH3 is on the minus strand). VCF-style: chr19-15185016-C-T. GRCh37 (hg19) VCF-style: chr19-15295827-C-T.
Other names: p.Arg767His; short protein forms R767H.
Identifiers: ClinVar variation 256127 (VCV000256127.26), dbSNP rs75291244, ClinGen allele CA9263384.